The following is an entry in ClinVar:

NM_022081.6(HPS4):c.340G>A (p.Gly114Arg)

Gene: HPS4 (HPS4 biogenesis of lysosomal organelles complex 3 subunit 2; minus strand). Cytogenetic location: 22q12.1.
Variant type: single nucleotide variant.
Coding change: c.340G>A on transcript NM_022081.6 (MANE Select); coding-DNA position 340, G replaced by A.
Protein change: p.Gly114Arg; replaces glycine 114 with arginine.
Molecular consequence: missense variant. On other transcripts: non-coding transcript variant (8).
Genome position (GRCh38, 1-based): chr22:26,472,876, C>T on the plus strand (G>A on the coding strand, the complement: HPS4 is on the minus strand). VCF-style: chr22-26472876-C-T. GRCh37 (hg19) VCF-style: chr22-26868842-C-T.
Other names: c.340G>A, p.Gly114Arg (NM_001349896.1, NM_001349898.2, NM_001349899.2 and 7 more transcripts); c.325G>A, p.Gly109Arg (NM_152841.2); short protein forms G109R, G114R.
Identifiers: ClinVar variation 1717513 (VCV001717513.5), dbSNP rs2518488464, ClinGen allele CA411031590.

ClinVar aggregate classification (germline): Uncertain significance (1 of 4 stars; one submission).

Submission:

Labcorp Genetics (formerly Invitae), Labcorp
Classification: Uncertain significance. Last evaluated: 2024-07-15. Review status: criteria provided, single submitter. Criteria: Invitae Variant Classification Sherloc (09022015). Collection method: clinical testing. Allele origin: germline.
Comment: This sequence change replaces glycine, which is neutral and non-polar, with arginine, which is basic and polar, at codon 114 of the HPS4 protein (p.Gly114Arg). This variant is not present in population databases (gnomAD no frequency). This variant has not been reported in the literature in individuals affected with HPS4-related conditions. ClinVar contains an entry for this variant (Variation ID: 1717513). An algorithm developed to predict the effect of missense changes on protein structure and function (PolyPhen-2) suggests that this variant is likely to be disruptive. Algorithms developed to predict the effect of sequence changes on RNA splicing suggest that this variant may disrupt the consensus splice site. In summary, the available evidence is currently insufficient to determine the role of this variant in disease. Therefore, it has been classified as a Variant of Uncertain Significance.